The following is an entry in ClinVar:

ClinVar aggregate classification (germline): Uncertain significance. Review status: criteria provided, multiple submitters, no conflicts (2 of 4 stars). 2 submissions from 2 submitters: Uncertain significance (2). Last evaluated 2024-03-28.

Conditions:
Van Maldergem syndrome 2 (VMLDS2). Identifiers: Orphanet 314679, MedGen C3809875, MONDO:0014242, OMIM 615546.
Hennekam lymphangiectasia-lymphedema syndrome 2 (HKLLS2). Identifiers: Orphanet 2136, MedGen C4014939, MONDO:0014454, OMIM 616006.

Submissions (2):

Fulgent Genetics
Classification: Uncertain significance for Van Maldergem syndrome 2; Hennekam lymphangiectasia-lymphedema syndrome 2. Last evaluated: 2024-03-28. Review status: criteria provided, single submitter. Criteria: ACMG Guidelines, 2015. Collection method: clinical testing. Allele origin: germline.

GeneDx
Classification: Uncertain significance. Last evaluated: 2023-12-18. Review status: criteria provided, single submitter. Criteria: GeneDx Variant Classification Process June 2021. Collection method: clinical testing. Allele origin: germline. Affected: yes.
Comment: Not observed at significant frequency in large population cohorts (gnomAD); In silico analysis supports that this missense variant does not alter protein structure/function; Has not been previously published as pathogenic or benign to our knowledge

NM_001291303.3(FAT4):c.271T>C (p.Tyr91His)

Gene: FAT4 (FAT atypical cadherin 4; plus strand). Cytogenetic location: 4q28.1.
Variant type: single nucleotide variant.
Coding change: c.271T>C on transcript NM_001291303.3 (MANE Select); coding-DNA position 271, T replaced by C.
Protein change: p.Tyr91His; replaces tyrosine 91 with histidine.
Molecular consequence: missense variant.
Genome position (GRCh38, 1-based): chr4:125,316,682, T>C. VCF-style: chr4-125316682-T-C. GRCh37 (hg19) VCF-style: chr4-126237837-T-C.
Other names: c.271T>C, p.Tyr91His (NM_001291285.3, NM_024582.6); c.271T>C (NM_024582.5); short protein forms Y91H.
Identifiers: ClinVar variation 3365693 (VCV003365693.2).